The following is an entry in ClinVar:

NM_001291867.2(NHS):c.1994C>T (p.Ser665Leu)

Gene: NHS (NHS actin remodeling regulator; plus strand). Cytogenetic location: Xp22.13.
Variant type: single nucleotide variant.
Coding change: c.1994C>T on transcript NM_001291867.2 (MANE Select); coding-DNA position 1994, C replaced by T.
Protein change: p.Ser665Leu; replaces serine 665 with leucine.
Molecular consequence: missense variant.
Genome position (GRCh38, 1-based): chrX:17,726,100, C>T. VCF-style: chrX-17726100-C-T. GRCh37 (hg19) VCF-style: chrX-17744220-C-T.
Other names: c.1463C>T, p.Ser488Leu (NM_001136024.4); c.1400C>T, p.Ser467Leu (NM_001291868.2); c.1931C>T, p.Ser644Leu (NM_198270.4); short protein forms S665L, S467L, S488L, S644L.
Identifiers: ClinVar variation 2908613 (VCV002908613.3), dbSNP rs1479947115, ClinGen allele CA412355834.

ClinVar aggregate classification (germline): Uncertain significance (1 of 4 stars; one submission).

Conditions:
Nance-Horan syndrome (NHS). Identifiers: Orphanet 627, MedGen C0796085, MONDO:0010545, OMIM 302350.

Allele frequency attached by ClinVar (database versions not stated): TOPMed below 0.00001; gnomAD 0.00001.
gnomAD v4.1: 2 of 1,210,199 alleles (0.00017%); highest among the groups gnomAD compares: Non-Finnish European, 0.00011%; no homozygotes.

Submission:

Labcorp Genetics (formerly Invitae), Labcorp
Classification: Uncertain significance for Nance-Horan syndrome. Last evaluated: 2025-09-02. Review status: criteria provided, single submitter. Criteria: Invitae Variant Classification Sherloc (09022015). Collection method: clinical testing. Allele origin: germline.
Comment: This sequence change replaces serine, which is neutral and polar, with leucine, which is neutral and non-polar, at codon 644 of the NHS protein (p.Ser644Leu). This variant is not present in population databases (gnomAD no frequency). This variant has not been reported in the literature in individuals affected with NHS-related conditions. ClinVar contains an entry for this variant (Variation ID: 2908613). Invitae Evidence Modeling of protein sequence and biophysical properties (such as structural, functional, and spatial information, amino acid conservation, physicochemical variation, residue mobility, and thermodynamic stability) indicates that this missense variant is expected to disrupt NHS protein function with a positive predictive value of 80%. In summary, the available evidence is currently insufficient to determine the role of this variant in disease. Therefore, it has been classified as a Variant of Uncertain Significance.